The following is an entry in ClinVar:

ClinVar aggregate classification (germline): Uncertain significance (1 of 4 stars; one submission).

Submission:

Ambry Genetics
Classification: Uncertain significance. Last evaluated: 2024-05-24. Review status: criteria provided, single submitter. Criteria: Ambry Variant Classification Scheme 2023. Collection method: clinical testing. Allele origin: germline.
Comment: The p.R79L variant (also known as c.236G>T), located in coding exon 4 of the RPS20 gene, results from a G to T substitution at nucleotide position 236. The arginine at codon 79 is replaced by leucine, an amino acid with dissimilar properties. This amino acid position is conserved. In addition, this alteration is predicted to be deleterious by in silico analysis. Based on the available evidence, the clinical significance of this variant remains unclear.

NM_001023.4(RPS20):c.236G>T (p.Arg79Leu)

Gene: RPS20 (ribosomal protein S20; minus strand). Cytogenetic location: 8q12.1.
Variant type: single nucleotide variant.
Coding change: c.236G>T on transcript NM_001023.4 (MANE Select); coding-DNA position 236, G replaced by T.
Protein change: p.Arg79Leu; replaces arginine 79 with leucine.
Molecular consequence: missense variant.
Genome position (GRCh38, 1-based): chr8:56,073,214, C>A on the plus strand (G>T on the coding strand, the complement: RPS20 is on the minus strand). VCF-style: chr8-56073214-C-A. GRCh37 (hg19) VCF-style: chr8-56985773-C-A.
Other names: c.236G>T, p.Arg79Leu (NM_001146227.3); short protein forms R79L.
Identifiers: ClinVar variation 3315293 (VCV003315293.1).